The following is an entry in ClinVar:

ClinVar aggregate classification (germline): Conflicting classifications of pathogenicity. Review status: criteria provided, conflicting classifications (1 of 4 stars). 6 submissions from 6 submitters: Uncertain significance (2); Likely benign (3). 1 of the submissions does not count toward it. Last evaluated 2026-01-28.

Conditions:
Alport syndrome. Also called: Hemorrhagic familial nephritis; Hemorrhagic hereditary nephritis; Congenital hereditary hematuria. Identifiers: Orphanet 63, MedGen C1567741, MONDO:0018965.
COL4A4-related disorder.
Inborn genetic diseases. Identifiers: MedGen C0950123, MeSH D030342.
Autosomal recessive Alport syndrome (ATS2). Also called: Alport syndrome type 2; COL4A4 Alport Syndrome and Thin Basement Membrane Nephropathy; ALPORT SYNDROME 2, AUTOSOMAL RECESSIVE; COL4A3-Related Nephropathy. Identifiers: Orphanet 63, Orphanet 88919, MedGen C4746745, MONDO:0008762, OMIM 203780.

Allele frequency attached by ClinVar (database versions not stated): gnomAD exomes 0.00006; ExAC 0.00007; gnomAD 0.00007; TOPMed 0.00008; 1000 Genomes Project 30x 0.00016; 1000 Genomes Project 0.00020; ESP Exome Variant Server 0.00025.
gnomAD v4.1: 239 of 1,614,054 alleles (0.015%); highest among the groups gnomAD compares: Non-Finnish European, 0.018%; no homozygotes.

Submissions (6):

Labcorp Genetics (formerly Invitae), Labcorp
Classification: Likely benign. Last evaluated: 2026-01-28. Review status: criteria provided, single submitter. Criteria: Invitae Variant Classification Sherloc (09022015). Collection method: clinical testing. Allele origin: germline.

Ambry Genetics
Classification: Likely benign for Inborn genetic diseases. Last evaluated: 2025-04-13. Review status: criteria provided, single submitter. Criteria: Ambry Variant Classification Scheme 2023. Collection method: clinical testing. Allele origin: germline.

Blueprint Genetics
Classification: Likely benign. Last evaluated: 2024-11-26. Review status: criteria provided, single submitter. Criteria: ACMG Guidelines, 2015. Collection method: clinical testing. Allele origin: germline.

Baylor Genetics
Classification: Uncertain significance for Autosomal recessive Alport syndrome. Last evaluated: 2018-09-07. Review status: criteria provided, single submitter. Criteria: ACMG Guidelines, 2015. Collection method: clinical testing. Allele origin: paternal. Affected: yes.
Comment: This variant was determined to be of uncertain significance according to ACMG Guidelines, 2015 [PMID:25741868].

Illumina Laboratory Services, Illumina
Classification: Uncertain significance for Alport syndrome. Last evaluated: 2018-01-12. Review status: criteria provided, single submitter. Criteria: ICSL Variant Classification Criteria 13 December 2019. Collection method: clinical testing. Allele origin: germline.

PreventionGenetics, part of Exact Sciences
Classification: Likely benign for COL4A4-related condition. Last evaluated: 2019-03-25. Review status: no assertion criteria provided. Collection method: clinical testing. Allele origin: germline. Not counted in ClinVar's aggregate classification.
Comment: This variant is classified as likely benign based on ACMG/AMP sequence variant interpretation guidelines (Richards et al. 2015 PMID: 25741868, with internal and published modifications).

NM_000092.5(COL4A4):c.2985C>T (p.Pro995=)

Gene: COL4A4 (collagen type IV alpha 4 chain; minus strand). Cytogenetic location: 2q36.3.
Variant type: single nucleotide variant.
Coding change: c.2985C>T on transcript NM_000092.5 (MANE Select); coding-DNA position 2985, C replaced by T.
Protein change: p.Pro995=; no amino-acid change (proline 995 retained).
Molecular consequence: synonymous variant.
Genome position (GRCh38, 1-based): chr2:227,051,142, G>A on the plus strand (C>T on the coding strand, the complement: COL4A4 is on the minus strand). VCF-style: chr2-227051142-G-A. GRCh37 (hg19) VCF-style: chr2-227915858-G-A.
Identifiers: ClinVar variation 334711 (VCV000334711.20), dbSNP rs79261248, ClinGen allele CA2144655.
Genomic context (GRCh38, chr2:227,051,142, plus strand): 5'-CCCTCTGTGAAATCCAGGTGGTCCGTATCTTCCCGGCTCTCCTCTTCTCCCTTGCATCCC[G>A]GGAGTTCCTTTATCACCTGATGAAGTTGGAAGTGTTACAGGTCTCTGCTGAAATTTTGAG-3'
Protein context (NP_000083.3, residues 985-1005): FPGERGDKGT[Pro995=]GMQGRRGEPG